The following is an entry in ClinVar:

NM_033026.6(PCLO):c.4984G>C (p.Gly1662Arg)

Gene: PCLO (piccolo presynaptic cytomatrix protein; minus strand). Cytogenetic location: 7q21.11.
Variant type: single nucleotide variant.
Coding change: c.4984G>C on transcript NM_033026.6 (MANE Select); coding-DNA position 4984, G replaced by C.
Protein change: p.Gly1662Arg; replaces glycine 1662 with arginine.
Molecular consequence: missense variant.
Genome position (GRCh38, 1-based): chr7:82,955,969, C>G on the plus strand (G>C on the coding strand, the complement: PCLO is on the minus strand). VCF-style: chr7-82955969-C-G. GRCh37 (hg19) VCF-style: chr7-82585285-C-G.
Other names: c.4984G>C, p.Gly1662Arg (NM_014510.3); short protein forms G1662R.
Identifiers: ClinVar variation 2012346 (VCV002012346.4), dbSNP rs2535709376, ClinGen allele CA367925514.

ClinVar aggregate classification (germline): Uncertain significance (1 of 4 stars; one submission).

Submission:

Labcorp Genetics (formerly Invitae), Labcorp
Classification: Uncertain significance. Last evaluated: 2022-08-10. Review status: criteria provided, single submitter. Criteria: Invitae Variant Classification Sherloc (09022015). Collection method: clinical testing. Allele origin: germline.
Comment: Algorithms developed to predict the effect of missense changes on protein structure and function are either unavailable or do not agree on the potential impact of this missense change (SIFT: "Deleterious"; PolyPhen-2: "Not Available"; Align-GVGD: "Class C0"). In summary, the available evidence is currently insufficient to determine the role of this variant in disease. Therefore, it has been classified as a Variant of Uncertain Significance. This variant has not been reported in the literature in individuals affected with PCLO-related conditions. This variant is not present in population databases (gnomAD no frequency). This sequence change replaces glycine, which is neutral and non-polar, with arginine, which is basic and polar, at codon 1662 of the PCLO protein (p.Gly1662Arg).